The following is an entry in ClinVar:

ClinVar aggregate classification (germline): Uncertain significance (1 of 4 stars; one submission).

Submission:

Mayo Clinic Laboratories, Mayo Clinic
Classification: Uncertain significance. Last evaluated: 2025-02-24. Review status: criteria provided, single submitter. Criteria: ACMG Guidelines, 2015. Collection method: clinical testing. Allele origin: germline. Observed: 1 variant allele.
Comment: PP2, PP3, PM2_supporting

NM_000088.4(COL1A1):c.4039G>C (p.Asp1347His)

Gene: COL1A1 (collagen type I alpha 1 chain; minus strand). Cytogenetic location: 17q21.33.
Variant type: single nucleotide variant.
Coding change: c.4039G>C on transcript NM_000088.4 (MANE Select); coding-DNA position 4039, G replaced by C.
Protein change: p.Asp1347His; replaces aspartic acid 1347 with histidine.
Molecular consequence: missense variant.
Genome position (GRCh38, 1-based): chr17:50,185,987, C>G on the plus strand (G>C on the coding strand, the complement: COL1A1 is on the minus strand). VCF-style: chr17-50185987-C-G. GRCh37 (hg19) VCF-style: chr17-48263348-C-G.
Other names: p.Asp1347His; short protein forms D1347H.
Identifiers: ClinVar variation 4542192 (VCV004542192.1).